The following is an entry in ClinVar:

NM_003738.5(PTCH2):c.3257+1G>A

Gene: PTCH2 (patched 2; minus strand). Cytogenetic location: 1p34.1.
Variant type: single nucleotide variant.
Coding change: c.3257+1G>A on transcript NM_003738.5 (MANE Select); the canonical splice donor site of the intron after coding-DNA position 3257, G replaced by A.
Molecular consequence: splice donor variant.
Genome position (GRCh38, 1-based): chr1:44,823,242, C>T on the plus strand (G>A on the coding strand, the complement: PTCH2 is on the minus strand). VCF-style: chr1-44823242-C-T. GRCh37 (hg19) VCF-style: chr1-45288914-C-T.
Other names: c.3257+1G>A (NM_001166292.2).
Identifiers: ClinVar variation 1524111 (VCV001524111.8), dbSNP rs760843273, ClinGen allele CA822764.

ClinVar aggregate classification (germline): Uncertain significance (1 of 4 stars; one submission).

Conditions:
Gorlin syndrome. Also called: Basal cell nevus syndrome; Nevoid Basal Cell Carcinoma Syndrome. Identifiers: Orphanet 377, MedGen C0004779, MONDO:0007187.

Allele frequency attached by ClinVar (database versions not stated): gnomAD exomes below 0.00001 and 0.00002; TOPMed 0.00001; ExAC 0.00002.
gnomAD v4.1: 7 of 1,614,202 alleles (0.00043%); highest among the groups gnomAD compares: Admixed American, 0.0067%; no homozygotes.

Submission:

Labcorp Genetics (formerly Invitae), Labcorp
Classification: Uncertain significance for Gorlin syndrome. Last evaluated: 2025-01-19. Review status: criteria provided, single submitter. Criteria: Invitae Variant Classification Sherloc (09022015). Collection method: clinical testing. Allele origin: germline.
Comment: This sequence change affects a donor splice site in intron 20 of the PTCH2 gene. It is expected to disrupt RNA splicing. Variants that disrupt the donor or acceptor splice site typically lead to a loss of protein function (PMID: 16199547), however the current clinical and genetic evidence is not sufficient to establish whether loss-of-function variants in PTCH2 cause disease. This variant is present in population databases (rs760843273, gnomAD 0.006%). This variant has not been reported in the literature in individuals affected with PTCH2-related conditions. ClinVar contains an entry for this variant (Variation ID: 1524111). Algorithms developed to predict the effect of sequence changes on RNA splicing suggest that this variant may disrupt the consensus splice site. In summary, the available evidence is currently insufficient to determine the role of this variant in disease. Therefore, it has been classified as a Variant of Uncertain Significance.

Literature cited by the submitters: PubMed 16199547.